The following is an entry in ClinVar:

NM_139343.3(BIN1):c.893C>T (p.Ser298Leu)

Gene: BIN1 (bridging integrator 1; minus strand). Cytogenetic location: 2q14.3.
Variant type: single nucleotide variant.
Coding change: c.893C>T on transcript NM_139343.3 (MANE Select); coding-DNA position 893, C replaced by T.
Protein change: p.Ser298Leu; replaces serine 298 with leucine.
Molecular consequence: missense variant.
Genome position (GRCh38, 1-based): chr2:127,059,120, G>A on the plus strand (C>T on the coding strand, the complement: BIN1 is on the minus strand). VCF-style: chr2-127059120-G-A. GRCh37 (hg19) VCF-style: chr2-127816696-G-A.
Other names: c.845C>T, p.Ser282Leu (NM_001320632.2, NM_004305.4, NM_139346.3); c.893C>T, p.Ser298Leu (NM_001320633.2, NM_001320640.2, NM_139344.3 and 1 more transcripts); c.728C>T, p.Ser243Leu (NM_001320634.1); c.800C>T, p.Ser267Leu (NM_001320641.2, NM_139347.3, NM_139348.3 and 3 more transcripts); c.812C>T, p.Ser271Leu (NM_001320642.1); short protein forms S298L, S282L, S267L, S243L, S271L.
Identifiers: ClinVar variation 420590 (VCV000420590.14), dbSNP rs754707833, ClinGen allele CA1857243.

ClinVar aggregate classification (germline): Uncertain significance. Review status: criteria provided, multiple submitters, no conflicts (2 of 4 stars). 3 submissions from 3 submitters: Uncertain significance (3). Last evaluated 2023-11-17.

Conditions:
Myopathy, centronuclear, 2 (CNM2). Also called: MYOTUBULAR MYOPATHY, AUTOSOMAL RECESSIVE. Identifiers: Orphanet 169186, MedGen CN031787, MONDO:0009709, OMIM 255200.

Allele frequency attached by ClinVar (database versions not stated): TOPMed 0.00003; gnomAD 0.00001; ExAC 0.00005; gnomAD exomes 0.00002.
gnomAD v4.1: 47 of 1,592,320 alleles (0.003%); highest among the groups gnomAD compares: Middle Eastern, 0.016%; no homozygotes.

Submissions (3):

Labcorp Genetics (formerly Invitae), Labcorp
Classification: Uncertain significance for Myopathy, centronuclear, 2. Last evaluated: 2023-11-17. Review status: criteria provided, single submitter. Criteria: Invitae Variant Classification Sherloc (09022015). Collection method: clinical testing. Allele origin: germline.
Comment: This sequence change replaces serine, which is neutral and polar, with leucine, which is neutral and non-polar, at codon 298 of the BIN1 protein (p.Ser298Leu). The frequency data for this variant in the population databases is considered unreliable, as metrics indicate poor data quality at this position in the gnomAD database. This missense change has been observed in individual(s) with late-onset Alzheimer's disease (PMID: 26101835). This variant is also known as p.Ser267Leu. ClinVar contains an entry for this variant (Variation ID: 420590). Advanced modeling of protein sequence and biophysical properties (such as structural, functional, and spatial information, amino acid conservation, physicochemical variation, residue mobility, and thermodynamic stability) performed at Invitae indicates that this missense variant is not expected to disrupt BIN1 protein function with a negative predictive value of 80%. In summary, the available evidence is currently insufficient to determine the role of this variant in disease. Therefore, it has been classified as a Variant of Uncertain Significance.

Revvity Omics, Revvity
Classification: Uncertain significance for Myopathy, centronuclear, 2. Last evaluated: 2020-03-10. Review status: criteria provided, single submitter. Criteria: ACMG Guidelines, 2015. Collection method: clinical testing. Allele origin: germline.

GeneDx
Classification: Uncertain significance. Last evaluated: 2017-03-17. Review status: criteria provided, single submitter. Criteria: GeneDx Variant Classification (06012015). Collection method: clinical testing. Allele origin: germline. Affected: yes.
Comment: A variant of uncertain significance has been identified in the BIN1 gene. The S298L variant has not been published as a pathogenic variant, nor has it been reported as a benign variant to our knowledge. The S298L variant is not observed at a significant frequency in large population cohorts (Lek et al., 2016; 1000 Genomes Consortium et al., 2015; Exome Variant Server). The S298L variant is a non-conservative amino acid substitution, which is likely to impact secondary protein structure as these residues differ in polarity, charge, size and/or other properties. This substitution occurs at a position that is conserved across species and in silico analysis predicts this variant is probably damaging to the protein structure/function. However, missense variants in nearby residues have not been reported in Human Gene Mutation Database in association with BIN1-related disorders (Stenson et al., 2014). Therefore, based on the currently available information, it is unclear whether this variant is a pathogenic variant or a rare benign variant.

Literature cited by the submitters: PubMed 26101835 (cited by Labcorp Genetics (formerly Invitae), Labcorp).